The following is an entry in ClinVar:

NM_007192.4(SUPT16H):c.486A>T (p.Ile162=)

Gene: SUPT16H (SPT16 homolog, facilitates chromatin remodeling subunit; minus strand). Cytogenetic location: 14q11.2.
Variant type: single nucleotide variant.
Coding change: c.486A>T on transcript NM_007192.4 (MANE Select); coding-DNA position 486, A replaced by T.
Protein change: p.Ile162=; no amino-acid change (isoleucine 162 retained).
Molecular consequence: synonymous variant.
Genome position (GRCh38, 1-based): chr14:21,369,894, T>A on the plus strand (A>T on the coding strand, the complement: SUPT16H is on the minus strand). VCF-style: chr14-21369894-T-A. GRCh37 (hg19) VCF-style: chr14-21838053-T-A.
Identifiers: ClinVar variation 2644060 (VCV002644060.24), dbSNP rs45500696, ClinGen allele CA7090323.
Genomic context (GRCh38, chr14:21,369,894, plus strand): 5'-TAGGTTGAGCTCCCCATCCTCCTTTACAGCGATGGTATATGCCACAACTGCACTGATATC[T>A]ATCTGCAGTCAAAGTGACAAGAGTTTCTAACATGCAAGTACAGAATTACAAAATAAATGC-3'
Protein context (NP_009123.1, residues 152-172): DCLNKEGFDK[Ile162=]DISAVVAYTI

ClinVar aggregate classification (germline): Benign (1 of 4 stars; one submission).

Allele frequency attached by ClinVar (database versions not stated): 1000 Genomes Project 0.00180; 1000 Genomes Project 30x 0.00187; TOPMed 0.00289; gnomAD 0.00296; ESP Exome Variant Server 0.00346.
gnomAD v4.1: 5,537 of 1,613,298 alleles (0.34%); highest among the groups gnomAD compares: Admixed American, 0.48%; 23 homozygotes.

Submission:

CeGaT Center for Human Genetics Tuebingen
Classification: Benign. Last evaluated: 2026-09-01. Review status: criteria provided, single submitter. Criteria: CeGaT Center For Human Genetics Tuebingen Variant Classification Criteria Version 2. Collection method: clinical testing. Allele origin: germline. Affected: yes. Observed: 10 variant alleles.
Comment: SUPT16H: BP4, BP7, BS1, BS2